The following continues an entry in ClinVar:

NM_000053.4(ATP7B):c.2532del (p.Val845fs)

Gene: ATP7B. ClinVar aggregate classification (germline): Pathogenic/Likely pathogenic. Pathogenic (18); Likely pathogenic (1).

Submissions 13 to 20 of 20:

Department of Human Genetics, Hannover Medical School
Classification: Likely pathogenic for Wilson disease. Last evaluated: 2023-02-13. Review status: criteria provided, single submitter. Criteria: ACMG Guidelines, 2015. Collection method: clinical testing. Allele origin: germline. Inheritance: Autosomal recessive inheritance. Affected: yes.

Johns Hopkins Genomics, Johns Hopkins University
Classification: Pathogenic for Wilson disease. Last evaluated: 2022-09-07. Review status: criteria provided, single submitter. Criteria: ACMG Guidelines, 2015. Collection method: clinical testing. Allele origin: germline.
Comment: This ATP7B frameshift variant (rs755709270) has been reported in the literature in association with Wilson disease. It is rare (<0.1%) in a large population dataset (gnomAD: 2/280944 total alleles; MAF 0.0007119%; no homozygotes) and has an entry in ClinVar (Variation ID 188883). This frameshift variant results in a premature stop codon in exon 11 likely leading to nonsense-mediated decay and lack of protein production. We consider this variant to be pathogenic.

Victorian Clinical Genetics Services, Murdoch Childrens Research Institute
Classification: Pathogenic for Wilson disease. Last evaluated: 2022-02-02. Review status: criteria provided, single submitter. Criteria: ACMG Guidelines, 2015. Collection method: clinical testing. Allele origin: germline. Inheritance: Autosomal recessive inheritance.
Comment: Based on the classification scheme VCGS_Germline_v1.3.4, this variant is classified as Pathogenic. Following criteria are met: 0102 - Loss of function is a known mechanism of disease in this gene and is associated with Wilson disease (MIM#277900). (I) 0106 - This gene is associated with autosomal recessive disease. (I) 0201 - Variant is predicted to cause nonsense-mediated decay (NMD) and loss of protein (premature termination codon is located at least 54 nucleotides upstream of the final exon-exon junction). (SP) 0251 - This variant is heterozygous. (I) 0304 - Variant is present in gnomAD <0.01 for a recessive condition (v2: 2 heterozygotes, 0 homozygotes). (SP) 0701 - Other NMD-predicted variants comparable to the one identified in this case have very strong previous evidence for pathogenicity (ClinVar). (SP) 0801 - This variant has strong previous evidence of pathogenicity in unrelated individuals. At least five individuals have been reported with this variant and is consistently classified as pathogenic by diagnostic laboratories in ClinVar. (SP) 1208 - Inheritance information for this variant is not currently available in this individual. (I) Legend: (SP) - Supporting pathogenic, (I) - Information, (SB) - Supporting benign

Genome-Nilou Lab
Classification: Pathogenic for Wilson disease. Last evaluated: 2021-08-10. Review status: criteria provided, single submitter. Criteria: ACMG Guidelines, 2015. Collection method: clinical testing. Allele origin: germline. Affected: no.

Laboratory for Molecular Medicine, Mass General Brigham Personalized Medicine
Classification: Pathogenic for Wilson disease. Last evaluated: 2020-06-11. Review status: criteria provided, single submitter. Criteria: ACMG Guidelines, 2015. Collection method: clinical testing. Allele origin: germline.
Comment: The p.Val845SerfsX28 variant in ATP7B has been previously reported in >10 homozygotes and compound heterozygotes with Wilson disease and segregated in at least 1 sibling (Abdel Ghaffar 2011, Ferenci 2014, Panagiotakaki 2004). It has also been identified in 0.001% (2/128702) of European chromosomes by gnomAD. This variant is predicted to cause a frameshift, which alters the protein’s amino acid sequence beginning at position 845 and leads to a premature termination codon 28 amino acids downstream. This alteration is then predicted to lead to a truncated or absent protein. Loss of function of the ATP7B gene is an established disease mechanism in autosomal recessive Wilson disease. In summary, this variant meets criteria to be classified as pathogenic for autosomal recessive Wilson disease. ACMG/AMP criteria applied: PVS1, PM3_VeryStrong, PM2, PP1, PP4.

Women's Health and Genetics/Laboratory Corporation of America, LabCorp
Classification: Pathogenic for Wilson disease. Last evaluated: 2018-02-16. Review status: criteria provided, single submitter. Criteria: LabCorp Variant Classification Summary - May 2015. Collection method: clinical testing. Allele origin: germline.
Comment: Variant summary: ATP7B c.2532delA (p.Val845SerfsX28) results in a premature termination codon, predicted to cause a truncation of the encoded protein or absence of the protein due to nonsense mediated decay, which are commonly known mechanisms for disease. Truncations downstream of this position have been classified as pathogenic by our laboratory (e.g. c.2832delT (p.Phe944fsX23), c.3402delC (p.Ala1135fsX13), c.3955C>T (p.Arg1319X)). The variant allele was found at a frequency of 7.2e-06 in 277206 control chromosomes (gnomAD). This frequency is not significantly higher than expected for a pathogenic variant in ATP7B causing Wilson Disease (7.2e-06 vs 0.0054). The variant c.2532delA has been reported in the literature in several individuals affected with Wilson Disease, either in homozygosity or in compound heterozygosity with other pathogenic ATP7B variants in trans, and many of these patients had also a hepatic presentation (Ferenci 2014). These data indicate that the variant is very likely to be associated with disease. To our knowledge, no experimental evidence demonstrating an impact on protein function has been reported. One clinical diagnostic laboratory has submitted clinical-significance assessments for this variant to ClinVar after 2014 without evidence for independent evaluation, and classified the variant as pathogenic. Based on the evidence outlined above, the variant was classified as pathogenic.

Eurofins Ntd Llc (ga)
Classification: Pathogenic. Last evaluated: 2014-07-07. Review status: criteria provided, single submitter. Criteria: EGL Classification Definitions 2015. Collection method: clinical testing. Allele origin: germline. Observed: 4 variant alleles, 4 heterozygotes.

Counsyl
Classification: Pathogenic for Wilson's disease. Last evaluated: 2014-07-13. Review status: no assertion criteria provided. Collection method: literature only. Allele origin: unknown. Inheritance: Autosomal recessive inheritance. Not counted in ClinVar's aggregate classification.

Literature cited by the submitters: PubMed 10441329 (cited by Labcorp Genetics (formerly Invitae), Labcorp); PubMed 16283883 (cited by 5 submitters); PubMed 8533760 (cited by 5 submitters); PubMed 11243728 (cited by 4 submitters); PubMed 15523622 (cited by 6 submitters); PubMed 24517292 (cited by 5 submitters); PubMed 21682854 (cited by 5 submitters); PubMed 18483695 (cited by 3 submitters); PubMed 20967755 (cited by 3 submitters); PubMed 22308153 (cited by 3 submitters); PubMed 22484412 (cited by 3 submitters); PubMed 23333878 (cited by 4 submitters); PubMed 25497208 (cited by 3 submitters); PubMed 30230192 (cited by 3 submitters); PubMed 36096368 (cited by All of Us Research Program, National Institutes of Health and Color Diagnostics, LLC DBA Color Health).